The following is an entry in ClinVar:

NM_003036.4(SKI):c.1061G>T (p.Ser354Ile)

Gene: SKI (SKI proto-oncogene; plus strand). Cytogenetic location: 1p36.32.
Variant type: single nucleotide variant.
Coding change: c.1061G>T on transcript NM_003036.4 (MANE Select); coding-DNA position 1061, G replaced by T.
Protein change: p.Ser354Ile; replaces serine 354 with isoleucine.
Molecular consequence: missense variant.
Genome position (GRCh38, 1-based): chr1:2,303,069, G>T. VCF-style: chr1-2303069-G-T. GRCh37 (hg19) VCF-style: chr1-2234508-G-T.
Other names: short protein forms S354I.
Identifiers: ClinVar variation 1780454 (VCV001780454.7), dbSNP rs1454556492, ClinGen allele CA337954152.
Genomic context (GRCh38, chr1:2,303,069, plus strand): 5'-CCAAAACAGATGACACCTCTTCCCAGTCCCCCGCGCCTTCCGAAAAGGACAAGCCGTCCA[G>T]CTGGCTGCGGACCTTGGCCGGCTCTTCCAATAAGGTGCTGTGGGGCCTGTCGGGGTCCTT-3'
Protein context (NP_003027.1, residues 344-364): PAPSEKDKPS[Ser354Ile]WLRTLAGSSN

ClinVar aggregate classification (germline): Uncertain significance. Review status: criteria provided, multiple submitters, no conflicts (2 of 4 stars). 2 submissions from 2 submitters: Uncertain significance (2). Last evaluated 2022-10-19.

Conditions:
Familial thoracic aortic aneurysm and aortic dissection (TAAD). Also called: Thoracic aortic aneurysms and dissections. Identifiers: Orphanet 91387, MedGen C4707243, MONDO:0019625.
Shprintzen-Goldberg syndrome (SGS). Also called: CRANIOSYNOSTOSIS WITH ARACHNODACTYLY AND ABDOMINAL HERNIAS; SHPRINTZEN-GOLDBERG CRANIOSYNOSTOSIS SYNDROME; Marfanoid disorder with craniosynostosis type 1; Marfanoid craniosynostosis syndrome; Shprintzen-Goldberg marfanoid syndrome. Identifiers: Orphanet 2462, MedGen C1321551, MONDO:0008426, OMIM 182212.

Allele frequency attached by ClinVar (database versions not stated): gnomAD exomes below 0.00001.
gnomAD v4.1: 2 of 1,613,598 alleles (0.00012%); highest among the groups gnomAD compares: Non-Finnish European, 0.00017%; no homozygotes.

Submissions (2):

Labcorp Genetics (formerly Invitae), Labcorp
Classification: Uncertain significance for Shprintzen-Goldberg syndrome. Last evaluated: 2022-10-19. Review status: criteria provided, single submitter. Criteria: Invitae Variant Classification Sherloc (09022015). Collection method: clinical testing. Allele origin: germline.
Comment: This variant is present in population databases (no rsID available, gnomAD 0.0009%). This variant has not been reported in the literature in individuals affected with SKI-related conditions. Advanced modeling of protein sequence and biophysical properties (such as structural, functional, and spatial information, amino acid conservation, physicochemical variation, residue mobility, and thermodynamic stability) has been performed at Invitae for this missense variant, however the output from this modeling did not meet the statistical confidence thresholds required to predict the impact of this variant on SKI protein function. In summary, the available evidence is currently insufficient to determine the role of this variant in disease. Therefore, it has been classified as a Variant of Uncertain Significance. This sequence change replaces serine, which is neutral and polar, with isoleucine, which is neutral and non-polar, at codon 354 of the SKI protein (p.Ser354Ile).

Ambry Genetics
Classification: Uncertain significance for Familial thoracic aortic aneurysm and aortic dissection. Last evaluated: 2022-08-17. Review status: criteria provided, single submitter. Criteria: Ambry Variant Classification Scheme 2023. Collection method: clinical testing. Allele origin: germline.
Comment: The p.S354I variant (also known as c.1061G>T), located in coding exon 2 of the SKI gene, results from a G to T substitution at nucleotide position 1061. The serine at codon 354 is replaced by isoleucine, an amino acid with dissimilar properties. This amino acid position is conserved. In addition, the in silico prediction for this alteration is inconclusive. Since supporting evidence is limited at this time, the clinical significance of this alteration remains unclear.